The following is an entry in ClinVar:

ClinVar aggregate classification (germline): Likely benign (1 of 4 stars; one submission).

Conditions:
Lynch syndrome 4 (LYNCH4). Also called: Colorectal cancer, hereditary nonpolyposis, type 4; Hereditary non-polyposis colorectal cancer, type 4. Identifiers: Orphanet 144, MedGen C1838333, MONDO:0013699, OMIM 614337. Disease mechanism: loss of function.

Submission:

Myriad Genetics, Inc.
Classification: Likely benign for Lynch syndrome 4. Last evaluated: 2024-10-02. Review status: criteria provided, single submitter. Criteria: Myriad Autosomal Dominant, Autosomal Recessive and X-Linked Classification Criteria (2023). Collection method: clinical testing. Allele origin: unknown.
Comment: This variant is considered likely benign. This variant is intronic and is not expected to impact mRNA splicing.

NM_000535.7(PMS2):c.354-21_354-17del

Gene: PMS2 (PMS1 homolog 2, mismatch repair system component; minus strand). Cytogenetic location: 7p22.1.
Variant type: Deletion.
Coding change: c.354-21_354-17del on transcript NM_000535.7 (MANE Select); 21 bases into the intron before coding-DNA position 354 through 17 bases into the intron before coding-DNA position 354, 5 bases deleted (ATGCC; older notation c.354-21_354-17delATGCC).
Molecular consequence: intron variant. On other transcripts: frameshift variant (9).
Genome position (GRCh38, 1-based): chr7:6,002,653-6,002,657, GGCAT deleted on the plus strand (ATGCC on the coding strand, the reverse complement: PMS2 is on the minus strand); deleting any 5 consecutive bases within chr7:6,002,653-6,002,659 gives the same sequence; the c. name uses the placement nearest the transcript's 3' end. VCF-style (leftmost placement, unchanged base first): chr7-6002652-AGGCAT-A. GRCh37 (hg19) VCF-style: chr7-6042283-AGGCAT-A.
Other names: c.24_28del, p.Cys9fs (NM_001322015.2, NM_001406875.1, NM_001406877.1 and 6 more transcripts); c.36-21_36-17del (NM_001322008.2, NM_001406902.1, NM_001406883.1 and 4 more transcripts); c.-52-21_-52-17del (NM_001406895.1, NM_001406911.1, NM_001322010.2 and 24 more transcripts); c.-531-21_-531-17del (NM_001322012.2, NM_001322011.2); c.250+1315_250+1319del (NM_001406885.1); c.354-21_354-17del (NM_001406886.1, NM_001406884.1, NM_001406874.1 and 8 more transcripts); c.378-21_378-17del (NM_001406868.1); c.540-21_540-17del (NM_001406866.1); short protein forms C9fs.
Identifiers: ClinVar variation 3773494 (VCV003773494.1).